The following is an entry in ClinVar:

NM_020964.3(EPG5):c.5107C>T (p.Gln1703Ter)

Gene: EPG5 (ectopic P-granules 5 autophagy tethering factor; minus strand). Cytogenetic location: 18q12.3.
Variant type: single nucleotide variant.
Coding change: c.5107C>T on transcript NM_020964.3 (MANE Select); coding-DNA position 5107, C replaced by T.
Protein change: p.Gln1703Ter; replaces glutamine 1703 with a stop codon.
Molecular consequence: nonsense.
Genome position (GRCh38, 1-based): chr18:45,887,753, G>A on the plus strand (C>T on the coding strand, the complement: EPG5 is on the minus strand). VCF-style: chr18-45887753-G-A. GRCh37 (hg19) VCF-style: chr18-43467718-G-A.
Other names: c.5107C>T, p.Gln1703Ter (NM_001410858.1, NM_001410859.1); short protein forms Q1703*.
Identifiers: ClinVar variation 2847029 (VCV002847029.3), dbSNP rs2511625072, ClinGen allele CA402346142.

ClinVar aggregate classification (germline): Pathogenic (1 of 4 stars; one submission).

Conditions:
Vici syndrome (VICIS). Identifiers: Orphanet 1493, MedGen C1855772, MONDO:0009452, OMIM 242840.

Submission:

Labcorp Genetics (formerly Invitae), Labcorp
Classification: Pathogenic for Vici syndrome. Last evaluated: 2023-03-18. Review status: criteria provided, single submitter. Criteria: Invitae Variant Classification Sherloc (09022015). Collection method: clinical testing. Allele origin: germline.
Comment: For these reasons, this variant has been classified as Pathogenic. This variant has not been reported in the literature in individuals affected with EPG5-related conditions. This variant is not present in population databases (gnomAD no frequency). This sequence change creates a premature translational stop signal (p.Gln1703*) in the EPG5 gene. It is expected to result in an absent or disrupted protein product. Loss-of-function variants in EPG5 are known to be pathogenic (PMID: 23222957, 23674064).

Literature cited by the submitters: PubMed 23222957; PubMed 23674064.